The following is an entry in ClinVar:

ClinVar aggregate classification (germline): Uncertain significance. Review status: criteria provided, multiple submitters, no conflicts (2 of 4 stars). 2 submissions from 2 submitters: Uncertain significance (2). Last evaluated 2025-08-27.

Submissions (2):

Dasa
Classification: Uncertain significance. Last evaluated: 2025-08-27. Review status: criteria provided, single submitter. Criteria: DASA Assertion Criteria. Collection method: clinical testing. Allele origin: germline.
Comment: NM_015570.4(AUTS2):c.3307C>T (p.Arg1103Trp) is a missense variant that results in the substitution of arginine with tryptophan. This variant is absent from population databases. The currently available literature and clinical evidence are not sufficient to establish a definitive association between this variant and the reported condition. Therefore, this variant is classified as a variant of uncertain significance.

Women's Health and Genetics/Laboratory Corporation of America, LabCorp
Classification: Uncertain significance. Last evaluated: 2025-07-17. Review status: criteria provided, single submitter. Criteria: LabCorp Variant Classification Summary - May 2015. Collection method: clinical testing. Allele origin: germline.
Comment: Variant summary: AUTS2 c.3307C>T (p.Arg1103Trp) results in a non-conservative amino acid change in the encoded protein sequence. Algorithms developed to predict the effect of missense changes on protein structure and function are either unavailable or do not agree on the potential impact of this missense change. The frequency data for this variant in gnomAD is considered unreliable, as metrics indicate poor data quality at this position. To our knowledge, no occurrence of c.3307C>T in individuals affected with Autism Spectrum Disorder Due To AUTS2 Deficiency and no experimental evidence demonstrating its impact on protein function have been reported. No submitters have cited clinical-significance assessments for this variant to ClinVar. Based on the evidence outlined above, the variant was classified as uncertain significance.

NM_015570.4(AUTS2):c.3307C>T (p.Arg1103Trp)

Gene: AUTS2 (activator of transcription and developmental regulator AUTS2; plus strand). Cytogenetic location: 7q11.22.
Variant type: single nucleotide variant.
Coding change: c.3307C>T on transcript NM_015570.4 (MANE Select); coding-DNA position 3307, C replaced by T.
Protein change: p.Arg1103Trp; replaces arginine 1103 with tryptophan.
Molecular consequence: missense variant.
Genome position (GRCh38, 1-based): chr7:70,790,523, C>T. VCF-style: chr7-70790523-C-T. GRCh37 (hg19) VCF-style: chr7-70255509-C-T.
Other names: c.3235C>T, p.Arg1079Trp (NM_001127231.3); short protein forms R1079W, R1103W.
Identifiers: ClinVar variation 4525810 (VCV004525810.3).
Genomic context (GRCh38, chr7:70,790,523, plus strand): 5'-GACATTCACCGGAGAGACCCGCTGGGCAGGGACTTCCTGCTAAGGAACGACCCGCTCCAC[C>T]GGCTCTCGACTCCCCGGCTGTACGAAGCCGACCGCTCCTTCAGGGACCGGGAGCCTCACG-3'
Protein context (NP_056385.1, residues 1093-1113): DFLLRNDPLH[Arg1103Trp]LSTPRLYEAD